The following is an entry in ClinVar:

NM_001037.5(SCN1B):c.502G>C (p.Val168Leu)

Gene: SCN1B (sodium voltage-gated channel beta subunit 1; plus strand). Cytogenetic location: 19q13.11.
Variant type: single nucleotide variant.
Coding change: c.502G>C on transcript NM_001037.5 (MANE Select); coding-DNA position 502, G replaced by C.
Protein change: p.Val168Leu; replaces valine 168 with leucine.
Molecular consequence: missense variant.
Genome position (GRCh38, 1-based): chr19:35,039,170, G>C. VCF-style: chr19-35039170-G-C. GRCh37 (hg19) VCF-style: chr19-35530074-G-C.
Other names: c.403G>C, p.Val135Leu (NM_001321605.2); short protein forms V135L, V168L.
Identifiers: ClinVar variation 1306717 (VCV001306717.3), dbSNP rs1436161923, ClinGen allele CA405330008.
Genomic context (GRCh38, chr19:35,039,170, plus strand): 5'-CCTGCAGCCAACAGAGACATGGCATCCATCGTGTCTGAGATCATGATGTATGTGCTCATT[G>C]TGGTGTTGACCATATGGCTCGTGGCAGAGATGATTTACTGCTACAAGAAGATCGCTGCCG-3'
Protein context (NP_001028.1, residues 158-178): VSEIMMYVLI[Val168Leu]VLTIWLVAEM

ClinVar aggregate classification (germline): Uncertain significance. Review status: criteria provided, multiple submitters, no conflicts (2 of 4 stars). 2 submissions from 2 submitters: Uncertain significance (2). Last evaluated 2025-01-19.

Conditions:
Cardiovascular phenotype. Identifiers: MedGen CN230736.

Allele frequency attached by ClinVar (database versions not stated): gnomAD 0.00001; TOPMed below 0.00001.
gnomAD v4.1: 2 of 1,614,108 alleles (0.00012%); highest among the groups gnomAD compares: Non-Finnish European, 0.00017%; no homozygotes.

Submissions (2):

Ambry Genetics
Classification: Uncertain significance for Cardiovascular phenotype. Last evaluated: 2025-01-19. Review status: criteria provided, single submitter. Criteria: Ambry Variant Classification Scheme 2023. Collection method: clinical testing. Allele origin: germline.
Comment: The p.V168L variant (also known as c.502G>C), located in coding exon 4 of the SCN1B gene, results from a G to C substitution at nucleotide position 502. The valine at codon 168 is replaced by leucine, an amino acid with highly similar properties. This amino acid position is conserved. In addition, the in silico prediction for this alteration is inconclusive. Based on the available evidence, the clinical significance of this variant remains unclear.

GeneDx
Classification: Uncertain significance. Last evaluated: 2019-06-24. Review status: criteria provided, single submitter. Criteria: GeneDx Variant Classification Process June 2021. Collection method: clinical testing. Allele origin: germline. Affected: yes.
Comment: In silico analysis, which includes protein predictors and evolutionary conservation, supports that this variant does not alter protein structure/function; Has not been previously published as pathogenic or benign to our knowledge